The following is an entry in ClinVar:

ClinVar aggregate classification (germline): Conflicting classifications of pathogenicity. Review status: criteria provided, conflicting classifications (1 of 4 stars). 10 submissions from 10 submitters: Uncertain significance (2); Likely benign (7). 1 of the submissions does not count toward it. Last evaluated 2026-01-09.

Conditions:
SACS-related disorder. Also called: SACS-related condition.
Spastic paraplegia. Identifiers: MedGen C0037772, HP:0001258.
Charlevoix-Saguenay spastic ataxia (SACS). Also called: SPASTIC ATAXIA 6, AUTOSOMAL RECESSIVE; Spastic ataxia of Charlevoix-Saguenay; AUTOSOMAL RECESSIVE SPASTIC ATAXIA OF CHARLEVOIX-SAGUENAY. Identifiers: Orphanet 98, MedGen C1849140, MONDO:0010041, OMIM 270550.

Allele frequency attached by ClinVar (database versions not stated): TOPMed 0.00025; ExAC 0.00028; gnomAD 0.00031 and 0.00032; gnomAD exomes 0.00031 and 0.00054; ESP Exome Variant Server 0.00046.
gnomAD v4.1: 820 of 1,613,732 alleles (0.051%); highest among the groups gnomAD compares: Non-Finnish European, 0.067%; 1 homozygote.

Submissions (10):

Labcorp Genetics (formerly Invitae), Labcorp
Classification: Likely benign for Spastic paraplegia. Last evaluated: 2026-01-09. Review status: criteria provided, single submitter. Criteria: Invitae Variant Classification Sherloc (09022015). Collection method: clinical testing. Allele origin: germline.

PreventionGenetics, part of Exact Sciences
Classification: Likely benign for SACS-related condition. Last evaluated: 2025-12-16. Review status: criteria provided, single submitter. Criteria: ACMG Guidelines, 2015. Collection method: clinical testing. Allele origin: germline.
Comment: This variant is classified as likely benign based on ACMG/AMP sequence variant interpretation guidelines (Richards et al. 2015 PMID: 25741868, with internal and published modifications).

Blueprint Genetics
Classification: Likely benign. Last evaluated: 2024-09-04. Review status: criteria provided, single submitter. Criteria: ACMG Guidelines, 2015. Collection method: clinical testing. Allele origin: germline.

CeGaT Center for Human Genetics Tuebingen
Classification: Likely benign. Last evaluated: 2024-05-01. Review status: criteria provided, single submitter. Criteria: CeGaT Center For Human Genetics Tuebingen Variant Classification Criteria Version 2. Collection method: clinical testing. Allele origin: germline. Affected: yes. Observed: 1 variant allele.
Comment: SACS: BP4, BP7

Genome-Nilou Lab
Classification: Likely benign for Charlevoix-Saguenay spastic ataxia. Last evaluated: 2021-09-05. Review status: criteria provided, single submitter. Criteria: ACMG Guidelines, 2015. Collection method: clinical testing. Allele origin: germline. Affected: no.

Athena Diagnostics
Classification: Likely benign. Last evaluated: 2020-10-19. Review status: criteria provided, single submitter. Criteria: Athena Diagnostics criteria. Collection method: clinical testing. Allele origin: unknown.

GeneDx
Classification: Likely benign. Last evaluated: 2018-09-13. Review status: criteria provided, single submitter. Criteria: GeneDx Variant Classification Process June 2021. Collection method: clinical testing. Allele origin: germline. Affected: yes.

Baylor Genetics
Classification: Uncertain significance for Charlevoix-Saguenay spastic ataxia. Last evaluated: 2018-07-16. Review status: criteria provided, single submitter. Criteria: ACMG Guidelines, 2015. Collection method: clinical testing. Allele origin: unknown. Affected: yes.
Comment: This variant was determined to be of uncertain significance according to ACMG Guidelines, 2015 [PMID:25741868].

Illumina Laboratory Services, Illumina
Classification: Uncertain significance for Charlevoix-Saguenay spastic ataxia. Last evaluated: 2018-01-13. Review status: criteria provided, single submitter. Criteria: ICSL Variant Classification Criteria 13 December 2019. Collection method: clinical testing. Allele origin: germline.

Natera, Inc.
Classification: Likely benign for Charlevoix-Saguenay type spastic ataxia. Last evaluated: 2020-05-19. Review status: no assertion criteria provided. Collection method: clinical testing. Allele origin: germline. Not counted in ClinVar's aggregate classification.

NM_014363.6(SACS):c.10008A>G (p.Lys3336=)

Gene: SACS (sacsin molecular chaperone; minus strand). Cytogenetic location: 13q12.12.
Variant type: single nucleotide variant.
Coding change: c.10008A>G on transcript NM_014363.6 (MANE Select); coding-DNA position 10008, A replaced by G.
Protein change: p.Lys3336=; no amino-acid change (lysine 3336 retained).
Molecular consequence: synonymous variant.
Genome position (GRCh38, 1-based): chr13:23,333,868, T>C on the plus strand (A>G on the coding strand, the complement: SACS is on the minus strand). VCF-style: chr13-23333868-T-C. GRCh37 (hg19) VCF-style: chr13-23908007-T-C.
Other names: c.9567A>G, p.Lys3189= (NM_001278055.2).
Identifiers: ClinVar variation 696269 (VCV000696269.43), dbSNP rs148971954, ClinGen allele CA6910526.